The following is an entry in ClinVar:

NC_000016.10:g.67660322G>T

Gene: ACD (ACD shelterin complex subunit and telomerase recruitment factor; minus strand). Cytogenetic location: 16q22.1.
Variant type: single nucleotide variant.
Genome position: GRCh38 VCF-style: chr16-67660322-G-T. GRCh37 (hg19) VCF-style: chr16-67694225-G-T.
Identifiers: ClinVar variation 1087110 (VCV001087110.33), dbSNP rs773291286, ClinGen allele CA8114890.
Genomic context (GRCh38, chr16:67,660,322, plus strand): 5'-CCGCGGGCGCCCAGGCCCCGCCTTTCCTCGGAAGAGGAAGCTCCTTCGCTGGGCGGGGCC[G>T]GAGGAGGAGGCCCCGCCCACGTACACCCCGCGCCTGCGCACGAGGGCGTCCTGCTCGGGG-3'

ClinVar aggregate classification (germline): Likely benign. Review status: criteria provided, multiple submitters, no conflicts (2 of 4 stars). 4 submissions from 4 submitters: Likely benign (4). Last evaluated 2025-11-15.

Conditions:
Inborn genetic diseases. Identifiers: MedGen C0950123, MeSH D030342.
Dyskeratosis congenita, autosomal dominant 6 (DKCA6). Identifiers: Orphanet 3322, MedGen C4225284, MONDO:0014690, OMIM 616553.

Allele frequency attached by ClinVar (database versions not stated): TOPMed 0.00005.

Submissions (4):

Labcorp Genetics (formerly Invitae), Labcorp
Classification: Likely benign for Dyskeratosis congenita, autosomal dominant 6. Last evaluated: 2025-11-15. Review status: criteria provided, single submitter. Criteria: Invitae Variant Classification Sherloc (09022015). Collection method: clinical testing. Allele origin: germline.

Blueprint Genetics
Classification: Likely benign. Last evaluated: 2023-09-16. Review status: criteria provided, single submitter. Criteria: ACMG Guidelines, 2015. Collection method: clinical testing. Allele origin: germline.

CeGaT Center for Human Genetics Tuebingen
Classification: Likely benign. Last evaluated: 2022-11-01. Review status: criteria provided, single submitter. Criteria: CeGaT Center For Human Genetics Tuebingen Variant Classification Criteria Version 2. Collection method: clinical testing. Allele origin: germline. Affected: yes. Observed: 1 variant allele.
Comment: ACD: BP4, BP7

Ambry Genetics
Classification: Likely benign for Inborn genetic diseases. Last evaluated: 2022-03-16. Review status: criteria provided, single submitter. Criteria: Ambry Variant Classification Scheme 2023. Collection method: clinical testing. Allele origin: germline.